The following is an entry in ClinVar:

ClinVar aggregate classification (germline): Uncertain significance (0 of 4 stars; one submission).

Conditions:
SIM1-related disorder. Also called: SIM1-related condition; SIM1-related disorders.

gnomAD v4.1: 51 of 1,613,864 alleles (0.0032%); highest among the groups gnomAD compares: Non-Finnish European, 0.0041%; no homozygotes.

Submission:

PreventionGenetics, part of Exact Sciences
Classification: Uncertain significance for SIM1-related condition. Last evaluated: 2024-03-22. Review status: no assertion criteria provided. Collection method: clinical testing. Allele origin: germline.
Comment: The SIM1 c.1389T>A variant is predicted to result in the amino acid substitution p.His463Gln. To our knowledge, this variant has not been reported in the literature. This variant is reported in 0.0029% of alleles in individuals of Latino descent in gnomAD. At this time, the clinical significance of this variant is uncertain due to the absence of conclusive functional and genetic evidence.

NM_005068.3(SIM1):c.1389T>A (p.His463Gln)

Genes: SIM1 (SIM bHLH transcription factor 1; minus strand), SIM1-AS1 (SIM1 antisense RNA 1; plus strand). Cytogenetic location: 6q16.3.
Variant type: single nucleotide variant.
Coding change: c.1389T>A on transcript NM_005068.3 (MANE Select); coding-DNA position 1389, T replaced by A.
Protein change: p.His463Gln; replaces histidine 463 with glutamine.
Molecular consequence: missense variant. On other transcripts: non-coding transcript variant (1).
Genome position (GRCh38, 1-based): chr6:100,393,668, A>T on the plus strand (T>A on the coding strand, the complement: SIM1 is on the minus strand). VCF-style: chr6-100393668-A-T. GRCh37 (hg19) VCF-style: chr6-100841544-A-T.
Other names: c.1389T>A, p.His463Gln (NM_001374769.1); short protein forms H463Q.
Identifiers: ClinVar variation 3352710 (VCV003352710.1).